The following is an entry in ClinVar:

ClinVar aggregate classification (germline): Pathogenic. Review status: no assertion criteria provided (0 of 4 stars). 2 submissions from 2 submitters: Pathogenic (1). 1 of the submissions does not count toward it. Last evaluated 1998-01-01.

Conditions:
Seizures, benign familial neonatal, 1. Also called: KCNQ2-Related Self-Limited Familial Neonatal Epilepsy (SLFNE); KCNQ2-Related Benign Familial Neonatal Epilepsy; Seizures, benign neonatal, 1; Benign Neonatal Epilepsy 1. Identifiers: Orphanet 1949, MedGen C3149074, MONDO:0007365, OMIM 121200.

Submissions (8):

OMIM
Classification: Pathogenic for SEIZURES, BENIGN FAMILIAL NEONATAL, 1. Last evaluated: 1998-01-01. Review status: no assertion criteria provided. Collection method: literature only. Allele origin: germline.

Channelopathy-Associated Epilepsy Research Center
No classification provided (evidence only). Condition: Complex neurodevelopmental disorder. Review status: no classification provided. Collection method: literature only. Allele origin: not applicable. Functional consequence: Severe decrease in peak current, Normal rate of activation, Normal voltage dependence of activation. Not counted in ClinVar's aggregate classification.
ClinVar note: "not provided" was previously submitted as the classification for the variant. However, the classification appeared to be based only on an observation of functional data so it was converted to no classification on 2025-07-30.

Channelopathy-Associated Epilepsy Research Center
No classification provided (evidence only). Review status: no classification provided. Collection method: in vitro. Allele origin: not applicable. Functional consequence: Normal peak current. Not counted in ClinVar's aggregate classification.

Channelopathy-Associated Epilepsy Research Center
No classification provided (evidence only). Review status: no classification provided. Collection method: in vitro. Allele origin: not applicable. Functional consequence: Normal peak current. Not counted in ClinVar's aggregate classification.

Channelopathy-Associated Epilepsy Research Center
No classification provided (evidence only). Review status: no classification provided. Collection method: in vitro. Allele origin: not applicable. Functional consequence: Normal voltage dependence of activation. Not counted in ClinVar's aggregate classification.

Channelopathy-Associated Epilepsy Research Center
No classification provided (evidence only). Review status: no classification provided. Collection method: in vitro. Allele origin: not applicable. Functional consequence: Normal slope of activation. Not counted in ClinVar's aggregate classification.

Channelopathy-Associated Epilepsy Research Center
No classification provided (evidence only). Review status: no classification provided. Collection method: in vitro. Allele origin: not applicable. Functional consequence: Normal rate of activation. Not counted in ClinVar's aggregate classification.

GeneReviews
No classification provided. Condition: Seizures, benign familial neonatal, 1. Review status: no classification provided. Collection method: literature only. Allele origin: germline. Affected: yes. Not counted in ClinVar's aggregate classification.
Comment: BFNE (benign familial neonatal epilepsy)

Functional effect: Markedly reduced current amplitude

Literature cited by the submitters: PubMed 9425895 (cited by OMIM and GeneReviews); PubMed 35104249 (cited by Channelopathy-Associated Epilepsy Research Center); PubMed 9872318 (cited by GeneReviews); PubMed 11784811 (cited by GeneReviews); NCBI Bookshelf NBK32534 (cited by GeneReviews).

NM_172107.4(KCNQ2):c.851A>G (p.Tyr284Cys)

Gene: KCNQ2 (potassium voltage-gated channel subfamily Q member 2; minus strand). Cytogenetic location: 20q13.33.
Variant type: single nucleotide variant.
Coding change: c.851A>G on transcript NM_172107.4 (MANE Select); coding-DNA position 851, A replaced by G.
Protein change: p.Tyr284Cys; replaces tyrosine 284 with cysteine.
Molecular consequence: missense variant.
Genome position (GRCh38, 1-based): chr20:63,439,674, T>C on the plus strand (A>G on the coding strand, the complement: KCNQ2 is on the minus strand). VCF-style: chr20-63439674-T-C. GRCh37 (hg19) VCF-style: chr20-62071027-T-C.
Other names: c.851A>G, p.Tyr284Cys (NM_004518.6, NM_172106.3, NM_172108.5 and 1 more transcripts); short protein forms Y284C.
Identifiers: ClinVar variation 7381 (VCV000007381.5), dbSNP rs28939683, ClinGen allele CA340673.
Genomic context (GRCh38, chr20:63,439,674, plus strand): 5'-AAGGAGACACCGATGAGGGTGAAGGTTGCCGCAAGGAGCCTGCCGTTCCAGGTCTGGGGG[T>C]ACTTGTCCCCGTAGCCAATGGTGGTCAGCGTGATCTGTGGGACCGCAGGCTCTAGTCACA-3'
Protein context (NP_742105.1, residues 274-294): TLTTIGYGDK[Tyr284Cys]PQTWNGRLLA